The following is an entry in ClinVar:

NM_000173.7(GP1BA):c.449A>G (p.Asn150Ser)

Gene: GP1BA (glycoprotein Ib platelet subunit alpha; plus strand). Cytogenetic location: 17p13.2.
Variant type: single nucleotide variant.
Coding change: c.449A>G on transcript NM_000173.7 (MANE Select); coding-DNA position 449, A replaced by G.
Protein change: p.Asn150Ser; replaces asparagine 150 with serine.
Molecular consequence: missense variant.
Genome position (GRCh38, 1-based): chr17:4,933,053, A>G. VCF-style: chr17-4933053-A-G. GRCh37 (hg19) VCF-style: chr17-4836348-A-G.
Other names: p.Asn150Ser; short protein forms N150S.
Identifiers: ClinVar variation 627076 (VCV000627076.6), dbSNP rs1597638745, ClinGen allele CA397316592.

ClinVar aggregate classification (germline): Pathogenic/Likely pathogenic. Review status: criteria provided, multiple submitters, no conflicts (2 of 4 stars). 6 submissions from 5 submitters: Pathogenic (1); Likely pathogenic (4). 1 of the submissions does not count toward it. Last evaluated 2026-06-25.

Conditions:
Bernard-Soulier syndrome, type A2, autosomal dominant (BSSA2). Also called: Bernard-Soulier syndrome, type A2 (dominant). Identifiers: Orphanet 274, MedGen C3277076, MONDO:0007930, OMIM 153670.
Thrombocytopenia. Identifiers: MedGen C0040034, MeSH D013921, MONDO:0002049, HP:0001873.
Macrothrombocytopenia. Identifiers: MedGen C2751260, HP:0040185.

Allele frequency attached by ClinVar (database versions not stated): gnomAD exomes below 0.00001.

Submissions (6):

Women's Health and Genetics/Laboratory Corporation of America, LabCorp
Classification: Pathogenic for Bernard-Soulier syndrome, type A2, autosomal dominant. Last evaluated: 2026-06-25. Review status: criteria provided, single submitter. Criteria: LabCorp Variant Classification Summary - May 2015. Collection method: clinical testing. Allele origin: germline.
Comment: Variant summary: GP1BA c.449A>G (p.Asn150Ser) results in a conservative amino acid change in the encoded protein sequence. Algorithms developed to predict the effect of missense changes on protein structure and function all suggest that this variant is likely to be tolerated. The variant was absent in 249126 control chromosomes. c.449A>G has been observed in multiple heterozygous individuals affected with Bernard-Soulier Syndrome, Type A2, Autosomal Dominant (Ghalloussi_2018, Downes_2019, Lordier_2025). These data indicate that the variant is very likely to be associated with disease. To our knowledge, no experimental evidence demonstrating an impact on protein function has been reported. The following publications have been ascertained in the context of this evaluation (PMID: 36173017, 31064749, 29082515, 40045897). ClinVar contains an entry for this variant (Variation ID: 627076). Based on the evidence outlined above, the variant was classified as pathogenic.

Mayo Clinic Laboratories, Mayo Clinic
Classification: Likely pathogenic. Last evaluated: 2025-04-21. Review status: criteria provided, single submitter. Criteria: ACMG Guidelines, 2015. Collection method: clinical testing. Allele origin: germline. Observed: 2 variant alleles.
Comment: PM2_supporting, PS3_supporting, PS4

Johns Hopkins Genomics, Johns Hopkins University
Classification: Likely pathogenic for Bernard-Soulier syndrome, type A2, autosomal dominant. Last evaluated: 2022-06-15. Review status: criteria provided, single submitter. Criteria: ACMG Guidelines, 2015. Collection method: clinical testing. Allele origin: germline.
Comment: GP1BA c.449A>G has been identified in multiple individuals with thrombocytopenia and has been reported in ClinVar (Variation ID: 627076). This GP1BA variant is absent from a large population dataset. Three bioinformatic tools queried predict that this missense substitution in the leucine rich domain of GP1BA would be damaging and the asparagine residue at this position is evolutionarily conserved across all species assessed. We consider GP1BA c.449A>G to be likely pathogenic.

NIHR Bioresource Rare Diseases, University of Cambridge
Classification: Likely pathogenic for Thrombocytopenia. Last evaluated: 2019-02-01. Review status: criteria provided, single submitter. Criteria: ACMG Guidelines, 2015. Collection method: research. Allele origin: unknown. Affected: yes. Observed: 2 heterozygotes. Study: ThromboGenomics.

NIHR Bioresource Rare Diseases, University of Cambridge
Classification: Likely pathogenic for Macrothrombocytopenia. Last evaluated: 2019-02-01. Review status: criteria provided, single submitter. Criteria: ACMG Guidelines, 2015. Collection method: research. Allele origin: unknown. Affected: yes. Observed: 1 heterozygote. Study: ThromboGenomics.

ISTH-SSC Genomics in Thrombosis and Hemostasis, KU Leuven, Center for Molecular and Vascular Biology
Classification: Likely pathogenic for Bernard-Soulier syndrome, type A2, autosomal dominant. Review status: no assertion criteria provided. Collection method: research. Allele origin: unknown. Affected: yes. Not counted in ClinVar's aggregate classification.
Comment: Submitted to GoldVariant by Dr Karyn Mégy from NIHR Bioresource - Cambridge University, UK

Literature cited by the submitters: PubMed 31064749 (cited by 4 submitters); PubMed 36173017 (cited by Women's Health and Genetics/Laboratory Corporation of America, LabCorp and Mayo Clinic Laboratories, Mayo Clinic); PubMed 29082515 (cited by 3 submitters); PubMed 40045897 (cited by Women's Health and Genetics/Laboratory Corporation of America, LabCorp and Mayo Clinic Laboratories, Mayo Clinic).